The following is an entry in ClinVar:

ClinVar aggregate classification (germline): Conflicting classifications of pathogenicity. Review status: criteria provided, conflicting classifications (1 of 4 stars). 2 submissions from 2 submitters: Likely pathogenic (1); Uncertain significance (1). Last evaluated 2026-04-20.

Conditions:
GRK1-related disorder. Also called: GRK1-related condition.

gnomAD v4.1: 2 of 1,535,474 alleles (0.00013%); highest among the groups gnomAD compares: South Asian, 0.0012%; no homozygotes.

Submissions (2):

Dasa
Classification: Uncertain significance. Last evaluated: 2026-04-20. Review status: criteria provided, single submitter. Criteria: DASA Assertion Criteria. Collection method: clinical testing. Allele origin: germline.
Comment: NM_002929.3(GRK1):c.1396+1G>A affects a canonical splice site and is predicted to disrupt normal RNA splicing. This variant is rare in population databases. The currently available literature and clinical evidence are not sufficient to establish a definitive association between this variant and the reported condition. Therefore, this variant is classified as a variant of uncertain significance.

Blueprint Genetics
Classification: Likely pathogenic for GRK1-related disorders. Last evaluated: 2021-08-04. Review status: criteria provided, single submitter. Criteria: ACMG Guidelines, 2015. Collection method: clinical testing. Allele origin: germline. Affected: yes. Observed: 3 variant alleles.

NM_002929.3(GRK1):c.1396+1G>A

Gene: GRK1 (G protein-coupled receptor kinase 1; plus strand). Cytogenetic location: 13q34.
Variant type: single nucleotide variant.
Coding change: c.1396+1G>A on transcript NM_002929.3 (MANE Select); the canonical splice donor site of the intron after coding-DNA position 1396, G replaced by A.
Molecular consequence: splice donor variant.
Genome position (GRCh38, 1-based): chr13:113,733,086, G>A. VCF-style: chr13-113733086-G-A. GRCh37 (hg19) VCF-style: chr13-114436059-G-A.
Identifiers: ClinVar variation 4882923 (VCV004882923.3).